The following is an entry in ClinVar:

ClinVar aggregate classification (germline): Uncertain significance. Review status: criteria provided, multiple submitters, no conflicts (2 of 4 stars). 2 submissions from 2 submitters: Uncertain significance (2). Last evaluated 2025-12-26.

Conditions:
POLD1-related polyposis and colorectal cancer syndrome (CRCS10). Also called: Colorectal cancer, susceptibility to, 10; Colorectal cancer 10; COLORECTAL CANCER, SUSCEPTIBILITY TO, ON CHROMOSOME 19q. Identifiers: Orphanet 220460, MedGen C2675481, MONDO:0012953, OMIM 612591.
Hereditary cancer-predisposing syndrome. Also called: Tumor predisposition; Hereditary Cancer Syndrome; Hereditary neoplastic syndrome; Neoplastic Syndromes, Hereditary. Identifiers: Orphanet 140162, MedGen C0027672, MeSH D009386, MONDO:0015356.

Submissions (2):

Ambry Genetics
Classification: Uncertain significance for Hereditary cancer-predisposing syndrome. Last evaluated: 2025-12-26. Review status: criteria provided, single submitter. Criteria: Ambry Variant Classification Scheme 2023. Collection method: clinical testing. Allele origin: germline.
Comment: The p.H142L variant (also known as c.425A>T), located in coding exon 3 of the POLD1 gene, results from an A to T substitution at nucleotide position 425. The histidine at codon 142 is replaced by leucine, an amino acid with similar properties. This amino acid position is conserved. In addition, this alteration is predicted to be tolerated by in silico analysis. Based on the available evidence, the clinical significance of this variant remains unclear.

Labcorp Genetics (formerly Invitae), Labcorp
Classification: Uncertain significance for POLD1-related polyposis and colorectal cancer syndrome. Last evaluated: 2025-02-05. Review status: criteria provided, single submitter. Criteria: Invitae Variant Classification Sherloc (09022015). Collection method: clinical testing. Allele origin: germline.
Comment: This sequence change replaces histidine, which is basic and polar, with leucine, which is neutral and non-polar, at codon 142 of the POLD1 protein (p.His142Leu). This variant is not present in population databases (gnomAD no frequency). This variant has not been reported in the literature in individuals affected with POLD1-related conditions. ClinVar contains an entry for this variant (Variation ID: 1397860). Invitae Evidence Modeling of protein sequence and biophysical properties (such as structural, functional, and spatial information, amino acid conservation, physicochemical variation, residue mobility, and thermodynamic stability) indicates that this missense variant is not expected to disrupt POLD1 protein function with a negative predictive value of 80%. In summary, the available evidence is currently insufficient to determine the role of this variant in disease. Therefore, it has been classified as a Variant of Uncertain Significance.

NM_002691.4(POLD1):c.425A>T (p.His142Leu)

Gene: POLD1 (DNA polymerase delta 1, catalytic subunit; plus strand). Cytogenetic location: 19q13.33.
Variant type: single nucleotide variant.
Coding change: c.425A>T on transcript NM_002691.4 (MANE Select); coding-DNA position 425, A replaced by T.
Protein change: p.His142Leu; replaces histidine 142 with leucine.
Molecular consequence: missense variant. On other transcripts: non-coding transcript variant (1).
Genome position (GRCh38, 1-based): chr19:50,401,886, A>T. VCF-style: chr19-50401886-A-T. GRCh37 (hg19) VCF-style: chr19-50905143-A-T.
Other names: c.425A>T, p.His142Leu (NM_001256849.1, NM_001308632.1); c.425A>T (NM_002691.2); short protein forms H142L.
Identifiers: ClinVar variation 1397860 (VCV001397860.9), dbSNP rs2122234190, ClinGen allele CA406972613.
Genomic context (GRCh38, chr19:50,401,886, plus strand): 5'-TGCCTGTGCTCCGCGCCTTCGGGGTCACCGATGAGGGGTTCTCTGTCTGCTGCCACATCC[A>T]CGGCTTCGCTCCCTACTTCTACACCCCAGCGCCCCCTGGTGAGTGGCCCCTACCCAGCCC-3'
Protein context (NP_002682.2, residues 132-152): DEGFSVCCHI[His142Leu]GFAPYFYTPA